The following is an entry in ClinVar:

NM_001846.4(COL4A2):c.1001G>A (p.Arg334Gln)

Gene: COL4A2 (collagen type IV alpha 2 chain; plus strand). Cytogenetic location: 13q34.
Variant type: single nucleotide variant.
Coding change: c.1001G>A on transcript NM_001846.4 (MANE Select); coding-DNA position 1001, G replaced by A.
Protein change: p.Arg334Gln; replaces arginine 334 with glutamine.
Molecular consequence: missense variant.
Genome position (GRCh38, 1-based): chr13:110,445,872, G>A. VCF-style: chr13-110445872-G-A. GRCh37 (hg19) VCF-style: chr13-111098219-G-A.
Other names: short protein forms R334Q.
Identifiers: ClinVar variation 2634539 (VCV002634539.7), dbSNP rs201833952, ClinGen allele CA7049263.
Genomic context (GRCh38, chr13:110,445,872, plus strand): 5'-AAATATCTTTCTTGCAGGGAAGCCGAGGCCTGGATGGCTATCAAGGGCCTGATGGACCCC[G>A]GGGACCCAAGGTGAGCCCGTTTCTCATGTCTTTGCCACTTATGGTGTCTCGCCCACCCTG-3'
Protein context (NP_001837.2, residues 324-344): LDGYQGPDGP[Arg334Gln]GPKGEAGDPG

ClinVar aggregate classification (germline): Conflicting classifications of pathogenicity. Review status: criteria provided, conflicting classifications (1 of 4 stars). 4 submissions from 4 submitters: Uncertain significance (3); Likely benign (1). Last evaluated 2025-10-28.

Conditions:
Brain small vessel disease 2A, autosomal dominant. Also called: Porencephaly 2. Identifiers: Orphanet 2940, Orphanet 99810, MedGen C3280970, MONDO:0013773, OMIM 614483.
COL4A2-related disorder. Also called: COL4A2-related disorders; COL4A2-related condition.

Allele frequency attached by ClinVar (database versions not stated): TOPMed 0.00004; ExAC 0.00005; gnomAD 0.00005; gnomAD exomes 0.00006.
gnomAD v4.1: 94 of 1,614,004 alleles (0.0058%); highest among the groups gnomAD compares: Middle Eastern, 0.18%; no homozygotes.

Submissions (4):

Labcorp Genetics (formerly Invitae), Labcorp
Classification: Uncertain significance. Last evaluated: 2025-10-28. Review status: criteria provided, single submitter. Criteria: Invitae Variant Classification Sherloc (09022015). Collection method: clinical testing. Allele origin: germline.
Comment: This sequence change replaces arginine, which is basic and polar, with glutamine, which is neutral and polar, at codon 334 of the COL4A2 protein (p.Arg334Gln). This variant is present in population databases (rs201833952, gnomAD 0.02%). This variant has not been reported in the literature in individuals affected with COL4A2-related conditions. ClinVar contains an entry for this variant (Variation ID: 2634539). Invitae Evidence Modeling of protein sequence and biophysical properties (such as structural, functional, and spatial information, amino acid conservation, physicochemical variation, residue mobility, and thermodynamic stability) indicates that this missense variant is not expected to disrupt COL4A2 protein function with a negative predictive value of 95%. In summary, the available evidence is currently insufficient to determine the role of this variant in disease. Therefore, it has been classified as a Variant of Uncertain Significance.

PreventionGenetics, part of Exact Sciences
Classification: Uncertain significance for COL4A2-related condition. Last evaluated: 2025-08-15. Review status: criteria provided, single submitter. Criteria: ACMG Guidelines, 2015. Collection method: clinical testing. Allele origin: germline.
Comment: The COL4A2 c.1001G>A variant is predicted to result in the amino acid substitution p.Arg334Gln. To our knowledge, this variant has not been reported in the literature. This variant is reported in 0.016% of alleles in individuals of South Asian descent in gnomAD. At this time, the clinical significance of this variant is uncertain due to the absence of conclusive functional and genetic evidence.

Blueprint Genetics
Classification: Likely benign. Last evaluated: 2024-08-15. Review status: criteria provided, single submitter. Criteria: ACMG Guidelines, 2015. Collection method: clinical testing. Allele origin: germline.

Department of Pathology and Laboratory Medicine, Sinai Health System
Classification: Uncertain significance for porencephaly 2. Last evaluated: 2021-07-30. Review status: criteria provided, single submitter. Criteria: ACMG Guidelines, 2015. Collection method: research. Allele origin: germline.